The following is an entry in ClinVar:

NM_000540.3(RYR1):c.14705T>A (p.Ile4902Asn)

Gene: RYR1 (ryanodine receptor 1; plus strand). Cytogenetic location: 19q13.2.
Variant type: single nucleotide variant.
Coding change: c.14705T>A on transcript NM_000540.3 (MANE Select); coding-DNA position 14705, T replaced by A.
Protein change: p.Ile4902Asn; replaces isoleucine 4902 with asparagine.
Molecular consequence: missense variant.
Genome position (GRCh38, 1-based): chr19:38,585,001, T>A. VCF-style: chr19-38585001-T-A. GRCh37 (hg19) VCF-style: chr19-39075641-T-A.
Other names: c.14690T>A, p.Ile4897Asn (NM_001042723.2); short protein forms I4897N, I4902N.
Identifiers: ClinVar variation 3636253 (VCV003636253.2).

ClinVar aggregate classification (germline): Uncertain significance (1 of 4 stars; one submission).

Conditions:
RYR1-related disorder. Also called: RYR1-related condition; RYR1-related disorders. Identifiers: MedGen CN239331.

Submission:

Labcorp Genetics (formerly Invitae), Labcorp
Classification: Uncertain significance for RYR1-related disorder. Last evaluated: 2024-06-03. Review status: criteria provided, single submitter. Criteria: Invitae Variant Classification Sherloc (09022015). Collection method: clinical testing. Allele origin: germline.
Comment: This sequence change replaces isoleucine, which is neutral and non-polar, with asparagine, which is neutral and polar, at codon 4902 of the RYR1 protein (p.Ile4902Asn). This variant is not present in population databases (gnomAD no frequency). This variant has not been reported in the literature in individuals affected with RYR1-related conditions. Advanced modeling of protein sequence and biophysical properties (such as structural, functional, and spatial information, amino acid conservation, physicochemical variation, residue mobility, and thermodynamic stability) performed at Invitae indicates that this missense variant is expected to disrupt RYR1 protein function with a positive predictive value of 95%. In summary, the available evidence is currently insufficient to determine the role of this variant in disease. Therefore, it has been classified as a Variant of Uncertain Significance.